The following is an entry in ClinVar:

NM_152564.5(VPS13B):c.5156A>G (p.Gln1719Arg)

Gene: VPS13B (vacuolar protein sorting 13 homolog B; plus strand). Cytogenetic location: 8q22.2.
Variant type: single nucleotide variant.
Coding change: c.5156A>G on transcript NM_152564.5 (MANE Select); coding-DNA position 5156, A replaced by G.
Protein change: p.Gln1719Arg; replaces glutamine 1719 with arginine.
Molecular consequence: missense variant.
Genome position (GRCh38, 1-based): chr8:99,577,569, A>G. VCF-style: chr8-99577569-A-G. GRCh37 (hg19) VCF-style: chr8-100589797-A-G.
Other names: c.5231A>G, p.Gln1744Arg (NM_017890.5); c.5156A>G (NM_152564.4); short protein forms Q1744R, Q1719R.
Identifiers: ClinVar variation 1502880 (VCV001502880.4), dbSNP rs772461225, ClinGen allele CA4823762.

ClinVar aggregate classification (germline): Uncertain significance. Review status: criteria provided, multiple submitters, no conflicts (2 of 4 stars). 2 submissions from 2 submitters: Uncertain significance (2). Last evaluated 2025-11-05.

Conditions:
Cohen syndrome (COH1). Also called: Cutis verticis gyrata, retinitis pigmentosa, and sensorineural deafness; PEPPER SYNDROME. Identifiers: Orphanet 193, MedGen C0265223, MONDO:0008999, OMIM 216550.
VPS13B-related disorder. Also called: VPS13B-related condition.

Allele frequency attached by ClinVar (database versions not stated): gnomAD exomes 0.00001; ExAC 0.00002; TOPMed 0.00002.
gnomAD v4.1: 5 of 1,613,888 alleles (0.00031%); highest among the groups gnomAD compares: Admixed American, 0.0083%; no homozygotes.

Submissions (2):

PreventionGenetics, part of Exact Sciences
Classification: Uncertain significance for VPS13B-related condition. Last evaluated: 2025-11-05. Review status: criteria provided, single submitter. Criteria: ACMG Guidelines, 2015. Collection method: clinical testing. Allele origin: germline.
Comment: The VPS13B c.5156A>G variant is predicted to result in the amino acid substitution p.Gln1719Arg. To our knowledge, this variant has not been reported in the literature. This variant is reported in 0.0087% of alleles in individuals of Latino descent in gnomAD. At this time, the clinical significance of this variant is uncertain due to the absence of conclusive functional and genetic evidence.

Labcorp Genetics (formerly Invitae), Labcorp
Classification: Uncertain significance for Cohen syndrome. Last evaluated: 2021-11-24. Review status: criteria provided, single submitter. Criteria: Invitae Variant Classification Sherloc (09022015). Collection method: clinical testing. Allele origin: germline.
Comment: This sequence change replaces glutamine, which is neutral and polar, with arginine, which is basic and polar, at codon 1744 of the VPS13B protein (p.Gln1744Arg). This variant is present in population databases (rs772461225, gnomAD 0.009%). This variant has not been reported in the literature in individuals affected with VPS13B-related conditions. Algorithms developed to predict the effect of missense changes on protein structure and function are either unavailable or do not agree on the potential impact of this missense change (SIFT: "Not Available"; PolyPhen-2: "Possibly Damaging"; Align-GVGD: "Not Available"). In summary, the available evidence is currently insufficient to determine the role of this variant in disease. Therefore, it has been classified as a Variant of Uncertain Significance.